The following is an entry in ClinVar:

NM_001110556.2(FLNA):c.7450C>A (p.Arg2484Ser)

Gene: FLNA (filamin A; minus strand). Cytogenetic location: Xq28.
Variant type: single nucleotide variant.
Coding change: c.7450C>A on transcript NM_001110556.2 (MANE Select); coding-DNA position 7450, C replaced by A.
Protein change: p.Arg2484Ser; replaces arginine 2484 with serine.
Molecular consequence: missense variant.
Genome position (GRCh38, 1-based): chrX:154,349,751, G>T on the plus strand (C>A on the coding strand, the complement: FLNA is on the minus strand). VCF-style: chrX-154349751-G-T. GRCh37 (hg19) VCF-style: chrX-153578119-G-T.
Other names: c.7426C>A, p.Arg2476Ser (NM_001456.4); short protein forms R2484S, R2476S.
Identifiers: ClinVar variation 955930 (VCV000955930.10), dbSNP rs782557713, ClinGen allele CA415182183.
Genomic context (GRCh38, chrX:154,349,751, plus strand): 5'-GGCCGCCGTACTTGATGGAGATGAGGTAGCTGCCAGGTGCCATGGGGGTATAGGTGACGC[G>T]GTAGCCCTCAGGGCACTCCTGGCAATCCATCTTCACCTTGGAGGGGCCGTCAATGGTCAC-3'
Protein context (NP_001104026.1, residues 2474-2494): MDCQECPEGY[Arg2484Ser]VTYTPMAPGS

ClinVar aggregate classification (germline): Uncertain significance (1 of 4 stars; one submission).

Conditions:
Heterotopia, periventricular, X-linked dominant (PVNH1). Also called: PERIVENTRICULAR NODULAR HETEROTOPIA 4; HETEROTOPIA, PERIVENTRICULAR, 1; PERIVENTRICULAR NODULAR HETEROTOPIA 1; X-linked periventricular heterotopia. Identifiers: Orphanet 2149, Orphanet 82004, MedGen C1848213, MONDO:0010233, OMIM 300049.
Oto-palato-digital syndrome, type II (OPD2). Also called: Otopalatodigital Syndrome, Type II; Otopalatodigital Syndrome Type 2 (FLNA-OPD2); FACIOPALATOOSSEOUS SYNDROME; OPD II SYNDROME. Identifiers: Orphanet 669, Orphanet 90652, MedGen C1844696, MONDO:0010571, OMIM 304120.
Melnick-Needles syndrome (MNS). Also called: Melnick-Needles Syndrome (FLNA-MNS); MELNICK-NEEDLES OSTEODYSPLASTY; OSTEODYSPLASTY OF MELNICK AND NEEDLES. Identifiers: Orphanet 2484, MedGen C0025237, MONDO:0010650, OMIM 309350.
Frontometaphyseal dysplasia (FMD1). Identifiers: Orphanet 1826, MedGen C0265293, MONDO:0015942.

Submission:

Labcorp Genetics (formerly Invitae), Labcorp
Classification: Uncertain significance for Oto-palato-digital syndrome, type II; Heterotopia, periventricular, X-linked dominant; Frontometaphyseal dysplasia; Melnick-Needles syndrome. Last evaluated: 2024-01-10. Review status: criteria provided, single submitter. Criteria: Invitae Variant Classification Sherloc (09022015). Collection method: clinical testing. Allele origin: germline.
Comment: This sequence change replaces arginine, which is basic and polar, with serine, which is neutral and polar, at codon 2476 of the FLNA protein (p.Arg2476Ser). This variant is not present in population databases (gnomAD no frequency). This variant has not been reported in the literature in individuals affected with FLNA-related conditions. ClinVar contains an entry for this variant (Variation ID: 955930). Advanced modeling of protein sequence and biophysical properties (such as structural, functional, and spatial information, amino acid conservation, physicochemical variation, residue mobility, and thermodynamic stability) performed at Invitae indicates that this missense variant is not expected to disrupt FLNA protein function with a negative predictive value of 95%. In summary, the available evidence is currently insufficient to determine the role of this variant in disease. Therefore, it has been classified as a Variant of Uncertain Significance.